The following is an entry in ClinVar:

ClinVar aggregate classification (germline): Pathogenic. Review status: criteria provided, multiple submitters, no conflicts (2 of 4 stars). 2 submissions from 2 submitters: Pathogenic (2). Last evaluated 2023-12-21.

Conditions:
Nephrotic syndrome, type 2 (NPHS2). Also called: NEPHROTIC SYNDROME, STEROID-RESISTANT, AUTOSOMAL RECESSIVE. Identifiers: Orphanet 656, MedGen C1868672, MONDO:0010974, OMIM 600995.

Submissions (2):

Baylor Genetics
Classification: Pathogenic for Nephrotic syndrome, type 2. Last evaluated: 2023-12-21. Review status: criteria provided, single submitter. Criteria: ACMG Guidelines, 2015. Collection method: clinical testing. Allele origin: unknown.

Labcorp Genetics (formerly Invitae), Labcorp
Classification: Pathogenic. Last evaluated: 2023-10-29. Review status: criteria provided, single submitter. Criteria: Invitae Variant Classification Sherloc (09022015). Collection method: clinical testing. Allele origin: germline.
Comment: This sequence change creates a premature translational stop signal (p.Tyr162*) in the NPHS2 gene. It is expected to result in an absent or disrupted protein product. Loss-of-function variants in NPHS2 are known to be pathogenic (PMID: 10742096, 14701729, 15253708, 23595123). This variant is not present in population databases (gnomAD no frequency). This premature translational stop signal has been observed in individual(s) with NPHS2-related conditions (PMID: 19876656, 30406062). ClinVar contains an entry for this variant (Variation ID: 1073625). For these reasons, this variant has been classified as Pathogenic.

Literature cited by the submitters: PubMed 10742096 (cited by Labcorp Genetics (formerly Invitae), Labcorp); PubMed 14701729 (cited by Labcorp Genetics (formerly Invitae), Labcorp); PubMed 15253708 (cited by Labcorp Genetics (formerly Invitae), Labcorp); PubMed 23595123 (cited by Labcorp Genetics (formerly Invitae), Labcorp); PubMed 19876656 (cited by Labcorp Genetics (formerly Invitae), Labcorp); PubMed 30406062 (cited by Labcorp Genetics (formerly Invitae), Labcorp).

NM_014625.4(NPHS2):c.486C>A (p.Tyr162Ter)

Gene: NPHS2 (NPHS2 stomatin family member, podocin; minus strand). Cytogenetic location: 1q25.2.
Variant type: single nucleotide variant.
Coding change: c.486C>A on transcript NM_014625.4 (MANE Select); coding-DNA position 486, C replaced by A.
Protein change: p.Tyr162Ter; replaces tyrosine 162 with a stop codon.
Molecular consequence: nonsense.
Genome position (GRCh38, 1-based): chr1:179,559,727, G>T on the plus strand (C>A on the coding strand, the complement: NPHS2 is on the minus strand). VCF-style: chr1-179559727-G-T. GRCh37 (hg19) VCF-style: chr1-179528862-G-T.
Other names: c.486C>A, p.Tyr162Ter (NM_001297575.2); short protein forms Y162*.
Identifiers: ClinVar variation 1073625 (VCV001073625.6), dbSNP rs1277040907, ClinGen allele CA343568933.